The following is an entry in ClinVar:

NM_016239.4(MYO15A):c.3836A>G (p.Tyr1279Cys)

Gene: MYO15A (myosin XVA; plus strand). Cytogenetic location: 17p11.2.
Variant type: single nucleotide variant.
Coding change: c.3836A>G on transcript NM_016239.4 (MANE Select); coding-DNA position 3836, A replaced by G.
Protein change: p.Tyr1279Cys; replaces tyrosine 1279 with cysteine.
Molecular consequence: missense variant.
Genome position (GRCh38, 1-based): chr17:18,126,426, A>G. VCF-style: chr17-18126426-A-G. GRCh37 (hg19) VCF-style: chr17-18029740-A-G.
Other names: c.3836A>G (NM_016239.3); short protein forms Y1279C.
Identifiers: ClinVar variation 1373853 (VCV001373853.6), dbSNP rs2046042097, ClinGen allele CA398590439.
Genomic context (GRCh38, chr17:18,126,426, plus strand): 5'-TGGTGTCGGTGAACCCATACCAAATGTTTGGAATCTATGGGCCGGAGCAGGTGCAGCAGT[A>G]CAACGGACGGGCCCTGGGAGAGAATCCCCCGTGAGTGTCTCGGGGGCGCTGCCCTGGGGT-3'
Protein context (NP_057323.3, residues 1269-1289): GIYGPEQVQQ[Tyr1279Cys]NGRALGENPP

ClinVar aggregate classification (germline): Uncertain significance. Review status: criteria provided, multiple submitters, no conflicts (2 of 4 stars). 3 submissions from 3 submitters: Uncertain significance (3). Last evaluated 2025-05-13.

Conditions:
Autosomal recessive nonsyndromic hearing loss 3. Also called: NEUROSENSORY NONSYNDROMIC RECESSIVE DEAFNESS 3. Identifiers: Orphanet 90636, MedGen C1838263, MONDO:0010860, OMIM 600316.

Allele frequency attached by ClinVar (database versions not stated): TOPMed below 0.00001; gnomAD exomes 0.00001.
gnomAD v4.1: 3 of 1,613,922 alleles (0.00019%); highest among the groups gnomAD compares: Admixed American, 0.0017%; no homozygotes.

Submissions (3):

Revvity Omics, Revvity
Classification: Uncertain significance for Autosomal recessive nonsyndromic hearing loss 3. Last evaluated: 2025-05-13. Review status: criteria provided, single submitter. Criteria: ACMG Guidelines, 2015. Collection method: clinical testing. Allele origin: germline.

GeneDx
Classification: Uncertain significance. Last evaluated: 2025-03-14. Review status: criteria provided, single submitter. Criteria: GeneDx Variant Classification Process June 2021. Collection method: clinical testing. Allele origin: germline. Affected: yes.
Comment: Reported without a second variant in a patient with hearing loss in published literature; however, clinical information was not provided (PMID: 30622556); Not observed at significant frequency in large population cohorts (gnomAD); In silico analysis supports that this missense variant has a deleterious effect on protein structure/function; This variant is associated with the following publications: (PMID: 30622556)

Labcorp Genetics (formerly Invitae), Labcorp
Classification: Uncertain significance. Last evaluated: 2022-07-05. Review status: criteria provided, single submitter. Criteria: Invitae Variant Classification Sherloc (09022015). Collection method: clinical testing. Allele origin: germline.
Comment: In summary, the available evidence is currently insufficient to determine the role of this variant in disease. Therefore, it has been classified as a Variant of Uncertain Significance. Algorithms developed to predict the effect of missense changes on protein structure and function are either unavailable or do not agree on the potential impact of this missense change (SIFT: "Deleterious"; PolyPhen-2: "Not Available"; Align-GVGD: "Class C65"). ClinVar contains an entry for this variant (Variation ID: 1373853). This missense change has been observed in individual(s) with deafness (PMID: 30622556). This variant is not present in population databases (gnomAD no frequency). This sequence change replaces tyrosine, which is neutral and polar, with cysteine, which is neutral and slightly polar, at codon 1279 of the MYO15A protein (p.Tyr1279Cys).

Literature cited by the submitters: PubMed 30622556 (cited by Labcorp Genetics (formerly Invitae), Labcorp).